The following is an entry in ClinVar:

NM_015375.3(DSTYK):c.1813C>T (p.Arg605Trp)

Gene: DSTYK (dual serine/threonine and tyrosine protein kinase; minus strand). Cytogenetic location: 1q32.1.
Variant type: single nucleotide variant.
Coding change: c.1813C>T on transcript NM_015375.3 (MANE Select); coding-DNA position 1813, C replaced by T.
Protein change: p.Arg605Trp; replaces arginine 605 with tryptophan.
Molecular consequence: missense variant.
Genome position (GRCh38, 1-based): chr1:205,162,041, G>A on the plus strand (C>T on the coding strand, the complement: DSTYK is on the minus strand). VCF-style: chr1-205162041-G-A. GRCh37 (hg19) VCF-style: chr1-205131169-G-A.
Other names: c.1813C>T, p.Arg605Trp (NM_199462.3); short protein forms R605W.
Identifiers: ClinVar variation 3718833 (VCV003718833.2).

ClinVar aggregate classification (germline): Uncertain significance (1 of 4 stars; one submission).

Submission:

Labcorp Genetics (formerly Invitae), Labcorp
Classification: Uncertain significance. Last evaluated: 2024-04-24. Review status: criteria provided, single submitter. Criteria: Invitae Variant Classification Sherloc (09022015). Collection method: clinical testing. Allele origin: germline.
Comment: This sequence change replaces arginine, which is basic and polar, with tryptophan, which is neutral and slightly polar, at codon 605 of the DSTYK protein (p.Arg605Trp). This variant is present in population databases (rs770969662, gnomAD 0.005%). This variant has not been reported in the literature in individuals affected with DSTYK-related conditions. An algorithm developed to predict the effect of missense changes on protein structure and function (PolyPhen-2) suggests that this variant is likely to be disruptive. In summary, the available evidence is currently insufficient to determine the role of this variant in disease. Therefore, it has been classified as a Variant of Uncertain Significance.